The following is an entry in ClinVar:

NM_016219.5(MAN1B1):c.526G>C (p.Asp176His)

Gene: MAN1B1 (mannosidase alpha class 1B member 1; plus strand). Cytogenetic location: 9q34.3.
Variant type: single nucleotide variant.
Coding change: c.526G>C on transcript NM_016219.5 (MANE Select); coding-DNA position 526, G replaced by C.
Protein change: p.Asp176His; replaces aspartic acid 176 with histidine.
Molecular consequence: missense variant. On other transcripts: non-coding transcript variant (2).
Genome position (GRCh38, 1-based): chr9:137,096,297, G>C. VCF-style: chr9-137096297-G-C. GRCh37 (hg19) VCF-style: chr9-139990749-G-C.
Other names: short protein forms D176H.
Identifiers: ClinVar variation 4527639 (VCV004527639.2).

ClinVar aggregate classification (germline): Uncertain significance (1 of 4 stars; one submission).

Submission:

GeneDx
Classification: Uncertain significance. Last evaluated: 2026-04-21. Review status: criteria provided, single submitter. Criteria: GeneDx Variant Classification Process June 2021. Collection method: clinical testing. Allele origin: germline.
Comment: Not observed at significant frequency in large population cohorts (gnomAD); In silico analysis suggests that this missense variant does not alter protein structure/function; Has not been previously published as pathogenic or benign to our knowledge